The following is an entry in ClinVar:

NM_001042492.3(NF1):c.7213del (p.Ile2405fs)

Gene: NF1 (neurofibromin 1; plus strand). Cytogenetic location: 17q11.2.
Variant type: Deletion.
Coding change: c.7213del on transcript NM_001042492.3 (MANE Select); coding-DNA position 7213, one base deleted (A; older notation c.7213delA).
Protein change: p.Ile2405fs; shifts the reading frame from isoleucine 2405.
Molecular consequence: frameshift variant.
Genome position (GRCh38, 1-based): chr17:31,349,143, A deleted. VCF-style (leftmost placement, unchanged base first): chr17-31349142-TA-T. GRCh37 (hg19) VCF-style: chr17-29676160-TA-T.
Other names: c.7150delA, p.Ile2384Leufs (NM_000267.4); short protein forms I2405fs, I2384fs.
Identifiers: ClinVar variation 3638910 (VCV003638910.2).
Genomic context (GRCh38, chr17:31,349,142, plus strand): 5'-CTTACTTGTTTGTTTGTTTGTTTGTTTGTTTTTTGTAGGGTACAGGCATCCTTCACCTGC[TA>T]TTGTTGCAAGAACAGTCAGAATTTTACATACACTACTAACTCTGGTTAACAAACACAGAA-3'

ClinVar aggregate classification (germline): Pathogenic (1 of 4 stars; one submission).

Conditions:
Neurofibromatosis, type 1 (NF1). Also called: VON RECKLINGHAUSEN DISEASE; Peripheral type neurofibromatosis; NEUROFIBROMATOSIS, TYPE I, SOMATIC; Neurofibromatosis, type I. Identifiers: Orphanet 636, MedGen C0027831, MONDO:0018975, OMIM 162200. Disease mechanism: loss of function.

Submission:

Labcorp Genetics (formerly Invitae), Labcorp
Classification: Pathogenic for Neurofibromatosis, type 1. Last evaluated: 2024-02-05. Review status: criteria provided, single submitter. Criteria: Invitae Variant Classification Sherloc (09022015). Collection method: clinical testing. Allele origin: germline.
Comment: This sequence change creates a premature translational stop signal (p.Ile2384Leufs*13) in the NF1 gene. It is expected to result in an absent or disrupted protein product. Loss-of-function variants in NF1 are known to be pathogenic (PMID: 10712197, 23913538). This variant is not present in population databases (gnomAD no frequency). This variant has not been reported in the literature in individuals affected with NF1-related conditions. For these reasons, this variant has been classified as Pathogenic.

Literature cited by the submitters: PubMed 10712197; PubMed 23913538.